The following is an entry in ClinVar:

ClinVar aggregate classification (germline): Pathogenic (1 of 4 stars; one submission).

Conditions:
Familial thoracic aortic aneurysm and aortic dissection (TAAD). Also called: Thoracic aortic aneurysms and dissections. Identifiers: Orphanet 91387, MedGen C4707243, MONDO:0019625.
Marfan syndrome (MFS). Also called: FBN1-Related Marfan Syndrome; Marfan syndrome type 1; Marfan's syndrome; Marfan syndrome, classic; MARFAN SYNDROME, TYPE I. Identifiers: Orphanet 284963, Orphanet 558, MedGen C0024796, MONDO:0007947, OMIM 154700.

Submission:

Labcorp Genetics (formerly Invitae), Labcorp
Classification: Pathogenic for Marfan syndrome; Familial thoracic aortic aneurysm and aortic dissection. Last evaluated: 2018-03-06. Review status: criteria provided, single submitter. Criteria: Invitae Variant Classification Sherloc (09022015). Collection method: clinical testing. Allele origin: germline.
Comment: This variant is not present in population databases (ExAC no frequency). For these reasons, this variant has been classified as Pathogenic. Nucleotide substitutions within the consensus splice site are a relatively common cause of aberrant splicing (PMID: 17576681, 9536098). Algorithms developed to predict the effect of sequence changes on RNA splicing suggest that this variant may disrupt the consensus splice site, but this prediction has not been confirmed by published transcriptional studies. This sequence change falls in intron 43 of the FBN1 gene. It does not directly change the encoded amino acid sequence of the FBN1 protein, but it affects a nucleotide within the consensus splice site of the intron.

Literature cited by the submitters: PubMed 17576681; PubMed 9536098.

NM_000138.5(FBN1):c.5296+5G>C

Gene: FBN1 (fibrillin 1; minus strand). Cytogenetic location: 15q21.1.
Variant type: single nucleotide variant.
Coding change: c.5296+5G>C on transcript NM_000138.5 (MANE Select); 5 bases into the intron after coding-DNA position 5296, G replaced by C.
Molecular consequence: intron variant.
Genome position (GRCh38, 1-based): chr15:48,460,241, C>G on the plus strand (G>C on the coding strand, the complement: FBN1 is on the minus strand). VCF-style: chr15-48460241-C-G. GRCh37 (hg19) VCF-style: chr15-48752438-C-G.
Identifiers: ClinVar variation 571937 (VCV000571937.8), dbSNP rs1566902515, ClinGen allele CA891844495.
Genomic context (GRCh38, chr15:48,460,241, plus strand): 5'-TGAAAAAATAATGCTAACACAAAGGCAAAAAACCAGAAAGTTCTGACAATGCCGTCATGA[C>G]TCACCAACGGGTAAACCGGTATAAATGTCGATGACAAAGCCTGGCCTTTGACTTCCACAG-3'